The following is an entry in ClinVar:

ClinVar aggregate classification (germline): Uncertain significance (1 of 4 stars; one submission).

Conditions:
Hereditary cancer-predisposing syndrome. Also called: Neoplastic Syndromes, Hereditary; Tumor predisposition; Hereditary Cancer Syndrome; Hereditary neoplastic syndrome. Identifiers: Orphanet 140162, MedGen C0027672, MeSH D009386, MONDO:0015356.

Submission:

Ambry Genetics
Classification: Uncertain significance for Hereditary cancer-predisposing syndrome. Last evaluated: 2026-05-19. Review status: criteria provided, single submitter. Criteria: Ambry Variant Classification Scheme 2023. Collection method: clinical testing. Allele origin: germline.
Comment: The p.S640R variant (also known as c.1920C>A), located in coding exon 14 of the PTCH1 gene, results from a C to A substitution at nucleotide position 1920. The serine at codon 640 is replaced by arginine, an amino acid with dissimilar properties. This amino acid position is conserved. In addition, this alteration is predicted to be deleterious by in silico analysis. Based on the available evidence, the clinical significance of this variant remains unclear.

NM_000264.5(PTCH1):c.1920C>A (p.Ser640Arg)

Genes: PTCH1 (patched 1; minus strand), LOC100507346 (uncharacterized LOC100507346; plus strand). Cytogenetic location: 9q22.32.
Variant type: single nucleotide variant.
Coding change: c.1920C>A on transcript NM_000264.5 (MANE Select); coding-DNA position 1920, C replaced by A.
Protein change: p.Ser640Arg; replaces serine 640 with arginine.
Molecular consequence: missense variant. On other transcripts: non-coding transcript variant (2).
Genome position (GRCh38, 1-based): chr9:95,469,081, G>T on the plus strand (C>A on the coding strand, the complement: PTCH1 is on the minus strand). VCF-style: chr9-95469081-G-T. GRCh37 (hg19) VCF-style: chr9-98231363-G-T.
Other names: c.1722C>A, p.Ser574Arg (NM_001083602.3); c.1917C>A, p.Ser639Arg (NM_001083603.3); c.1467C>A, p.Ser489Arg (NM_001083604.3, NM_001083605.3, NM_001083606.3 and 1 more transcripts); c.1764C>A, p.Ser588Arg (NM_001354918.2); short protein forms S489R, S574R, S588R, S639R, S640R.
Identifiers: ClinVar variation 4862620 (VCV004862620.1).